The following is an entry in ClinVar:

ClinVar aggregate classification (germline): Likely benign (1 of 4 stars; one submission).

Submission:

CeGaT Center for Human Genetics Tuebingen
Classification: Likely benign. Last evaluated: 2023-04-01. Review status: criteria provided, single submitter. Criteria: CeGaT Center For Human Genetics Tuebingen Variant Classification Criteria Version 2. Collection method: clinical testing. Allele origin: germline. Affected: yes. Observed: 1 variant allele.
Comment: SPG7: PM2:Supporting, BP4, BP7

NM_003119.4(SPG7):c.2182-869G>C

Gene: SPG7 (SPG7 matrix AAA peptidase subunit, paraplegin; plus strand). Cytogenetic location: 16q24.3.
Variant type: single nucleotide variant.
Coding change: c.2182-869G>C on transcript NM_003119.4 (MANE Select); 869 bases into the intron before coding-DNA position 2182, G replaced by C.
Molecular consequence: intron variant. On other transcripts: synonymous variant (1).
Genome position (GRCh38, 1-based): chr16:89,556,018, G>C. VCF-style: chr16-89556018-G-C. GRCh37 (hg19) VCF-style: chr16-89622426-G-C.
Other names: c.2322G>C, p.Arg774= (NM_001363850.1).
Identifiers: ClinVar variation 2647113 (VCV002647113.24), dbSNP rs2058685085, ClinGen allele CA2241764243.